The following is an entry in ClinVar:

ClinVar aggregate classification (germline): Uncertain significance (1 of 4 stars; one submission).

gnomAD v4.1: 10 of 1,211,092 alleles (0.00083%); highest among the groups gnomAD compares: Non-Finnish European, 0.0011%; no homozygotes.

Submission:

Labcorp Genetics (formerly Invitae), Labcorp
Classification: Uncertain significance. Last evaluated: 2025-07-07. Review status: criteria provided, single submitter. Criteria: Invitae Variant Classification Sherloc (09022015). Collection method: clinical testing. Allele origin: germline.
Comment: This sequence change replaces aspartic acid, which is acidic and polar, with asparagine, which is neutral and polar, at codon 1963 of the CACNA1F protein (p.Asp1963Asn). The frequency data for this variant in the population databases is considered unreliable, as metrics indicate poor data quality at this position in the gnomAD database. This variant has not been reported in the literature in individuals affected with CACNA1F-related conditions. ClinVar contains an entry for this variant (Variation ID: 1485383). An algorithm developed to predict the effect of missense changes on protein structure and function (PolyPhen-2) suggests that this variant is likely to be tolerated. In summary, the available evidence is currently insufficient to determine the role of this variant in disease. Therefore, it has been classified as a Variant of Uncertain Significance.

NM_001256789.3(CACNA1F):c.5854G>A (p.Asp1952Asn)

Gene: CACNA1F (calcium voltage-gated channel subunit alpha1 F; minus strand). Cytogenetic location: Xp11.23.
Variant type: single nucleotide variant.
Coding change: c.5854G>A on transcript NM_001256789.3 (MANE Select); coding-DNA position 5854, G replaced by A.
Protein change: p.Asp1952Asn; replaces aspartic acid 1952 with asparagine.
Molecular consequence: missense variant.
Genome position (GRCh38, 1-based): chrX:49,205,184, C>T on the plus strand (G>A on the coding strand, the complement: CACNA1F is on the minus strand). VCF-style: chrX-49205184-C-T. GRCh37 (hg19) VCF-style: chrX-49061644-C-T.
Other names: c.5692G>A, p.Asp1898Asn (NM_001256790.3); c.5887G>A, p.Asp1963Asn (NM_005183.4); short protein forms D1898N, D1963N, D1952N.
Identifiers: ClinVar variation 1485383 (VCV001485383.6), dbSNP rs145627424, ClinGen allele CA10409885.
Genomic context (GRCh38, chrX:49,205,184, plus strand): 5'-GAGGGGTGGGAATTCAGAGGGCGTGGACGCAGGCCATCTCGTCTCCCAAGTCCTCCTCAT[C>T]GAAGCGGGAGAGGATGGACTCCTCGTCGCTATAGAGAGAGCTGGTTCCCTGTGCCAGCAG-3'
Protein context (NP_001243718.1, residues 1942-1962): SDEESILSRF[Asp1952Asn]EEDLGDEMAC